The following is an entry in ClinVar:

NM_001329943.3(KIAA0586):c.1690del (p.Arg564fs)

Gene: KIAA0586 (KIAA0586; plus strand). Cytogenetic location: 14q23.1.
Variant type: Deletion.
Coding change: c.1690del on transcript NM_001329943.3 (MANE Select); coding-DNA position 1690, one base deleted (A; older notation c.1690delA).
Protein change: p.Arg564fs; shifts the reading frame from arginine 564.
Molecular consequence: frameshift variant. On other transcripts: intron variant (1).
Genome position (GRCh38, 1-based): chr14:58,459,876, A deleted; the last of 6 consecutive A bases (chr14:58,459,871-58,459,876); deleting any one gives the same sequence. VCF-style (leftmost placement, unchanged base first): chr14-58459870-CA-C. GRCh37 (hg19) VCF-style: chr14-58926588-CA-C.
Other names: c.1849del, p.Arg617fs (NM_001244189.2); c.1645del, p.Arg549fs (NM_001244190.2); c.1435del, p.Arg479fs (NM_001244191.2, NM_001329945.2, NM_001364700.1 and 1 more transcripts); c.1558del, p.Arg520fs (NM_001244192.2); c.1270del, p.Arg424fs (NM_001244193.2); c.1690del, p.Arg564fs (NM_001329944.2, NM_001329946.2, NM_001329947.2); c.1657-1110del (NM_014749.5); short protein forms R479fs, R520fs, R564fs, R424fs, R549fs, R617fs.
Identifiers: ClinVar variation 5007636 (VCV005007636.1).

ClinVar aggregate classification (germline): Likely pathogenic (1 of 4 stars; one submission).

Conditions:
Joubert syndrome 23 (JBTS23). Identifiers: Orphanet 475, MedGen C4084822, MONDO:0014664, OMIM 616490.
Short-rib thoracic dysplasia 14 with polydactyly (SRTD14). Identifiers: Orphanet 397715, MedGen C4225286, MONDO:0014688, OMIM 616546.

Submission:

Juno Genomics, Hangzhou Juno Genomics, Inc
Classification: Likely pathogenic for Joubert syndrome 23; Short-rib thoracic dysplasia 14 with polydactyly. Review status: criteria provided, single submitter. Criteria: ACMG Guidelines, 2015. Collection method: clinical testing. Allele origin: germline. Affected: yes.
Comment: Absent from controls (or at extremely low frequency if recessive) in Genome Aggregation Database.;Null variant in a gene where loss of function (LOF) is a known mechanism of disease.